The following is an entry in ClinVar:

ClinVar aggregate classification (germline): Uncertain significance (1 of 4 stars; one submission).

Conditions:
Inborn genetic diseases. Identifiers: MedGen C0950123, MeSH D030342.

Submission:

Ambry Genetics
Classification: Uncertain significance for Inborn genetic diseases. Last evaluated: 2022-11-20. Review status: criteria provided, single submitter. Criteria: Ambry Variant Classification Scheme 2023. Collection method: clinical testing. Allele origin: germline.
Comment: The p.I1318V variant (also known as c.3952A>G), located in coding exon 28 of the LRRK2 gene, results from an A to G substitution at nucleotide position 3952. The isoleucine at codon 1318 is replaced by valine, an amino acid with highly similar properties. This amino acid position is conserved. In addition, this alteration is predicted to be tolerated by in silico analysis. Since supporting evidence is limited at this time, the clinical significance of this alteration remains unclear.

NM_198578.4(LRRK2):c.3952A>G (p.Ile1318Val)

Gene: LRRK2 (leucine rich repeat kinase 2; plus strand). Cytogenetic location: 12q12.
Variant type: single nucleotide variant.
Coding change: c.3952A>G on transcript NM_198578.4 (MANE Select); coding-DNA position 3952, A replaced by G.
Protein change: p.Ile1318Val; replaces isoleucine 1318 with valine.
Molecular consequence: missense variant.
Genome position (GRCh38, 1-based): chr12:40,305,959, A>G. VCF-style: chr12-40305959-A-G. GRCh37 (hg19) VCF-style: chr12-40699761-A-G.
Other names: short protein forms I1318V.
Identifiers: ClinVar variation 2453022 (VCV002453022.2), dbSNP rs2136795544, ClinGen allele CA384417417.